The following is an entry in ClinVar:

ClinVar aggregate classification (germline): Pathogenic/Likely pathogenic. Review status: criteria provided, multiple submitters, no conflicts (2 of 4 stars). 3 submissions from 3 submitters: Pathogenic (2); Likely pathogenic (1). Last evaluated 2026-07-07.

Conditions:
Curry-Hall syndrome (WAD). Also called: WEYERS ACRODENTAL DYSOSTOSIS. Identifiers: Orphanet 952, MedGen C0457013, MONDO:0008673, OMIM 193530.
Ellis-van Creveld syndrome (EVC). Also called: Chondroectodermal dysplasia; MESOECTODERMAL DYSPLASIA. Identifiers: Orphanet 289, MedGen C0013903, MONDO:0009162, OMIM 225500.

gnomAD v4.1: 18 of 1,614,008 alleles (0.0011%); highest among the groups gnomAD compares: African/African-American, 0.0027%; no homozygotes.

Submissions (3):

Medgenome Labs Ltd
Classification: Likely pathogenic for Ellis-van Creveld syndrome. Last evaluated: 2026-07-07. Review status: criteria provided, single submitter. Criteria: ACMG Guidelines, 2015. Collection method: clinical testing. Allele origin: germline. Affected: yes.

Labcorp Genetics (formerly Invitae), Labcorp
Classification: Pathogenic for Curry-Hall syndrome; Ellis-van Creveld syndrome. Last evaluated: 2024-01-19. Review status: criteria provided, single submitter. Criteria: Invitae Variant Classification Sherloc (09022015). Collection method: clinical testing. Allele origin: germline.
Comment: This sequence change creates a premature translational stop signal (p.Arg945*) in the EVC2 gene. It is expected to result in an absent or disrupted protein product. Loss-of-function variants in EVC2 are known to be pathogenic (PMID: 17024374, 19810119, 19876929). This variant is present in population databases (no rsID available, gnomAD 0.0009%). This variant has not been reported in the literature in individuals affected with EVC2-related conditions. ClinVar contains an entry for this variant (Variation ID: 986352). Algorithms developed to predict the effect of sequence changes on RNA splicing suggest that this variant may create or strengthen a splice site. For these reasons, this variant has been classified as Pathogenic.

Rady Children's Institute for Genomic Medicine, Rady Children's Hospital San Diego
Classification: Pathogenic for ELLIS-VAN CREVELD SYNDROME. Last evaluated: 2019-07-18. Review status: criteria provided, single submitter. Criteria: ACMG Guidelines, 2015. Collection method: clinical testing. Allele origin: germline. Affected: yes.
Comment: This nonsense variant found in exon 17 of 22 is predicted to result in loss of normal protein function. This variant has not been previously reported or functionally characterized in the literature to our knowledge. It is present in the heterozygous state in the gnomAD population database at a frequency of 0.0004% (1/245848) and thus is presumed to be rare. Based on the available evidence, the c.2833C>T (p.Arg945Ter) variant is classified as Pathogenic.

Literature cited by the submitters: PubMed 17024374 (cited by Labcorp Genetics (formerly Invitae), Labcorp); PubMed 19810119 (cited by Labcorp Genetics (formerly Invitae), Labcorp); PubMed 19876929 (cited by Labcorp Genetics (formerly Invitae), Labcorp).

NM_147127.5(EVC2):c.2833C>T (p.Arg945Ter)

Gene: EVC2 (EvC ciliary complex subunit 2; minus strand). Cytogenetic location: 4p16.2.
Variant type: single nucleotide variant.
Coding change: c.2833C>T on transcript NM_147127.5 (MANE Select); coding-DNA position 2833, C replaced by T.
Protein change: p.Arg945Ter; replaces arginine 945 with a stop codon.
Molecular consequence: nonsense.
Genome position (GRCh38, 1-based): chr4:5,584,847, G>A on the plus strand (C>T on the coding strand, the complement: EVC2 is on the minus strand). VCF-style: chr4-5584847-G-A. GRCh37 (hg19) VCF-style: chr4-5586574-G-A.
Other names: c.2593C>T, p.Arg865Ter (NM_001166136.2); short protein forms R865*, R945*.
Identifiers: ClinVar variation 986352 (VCV000986352.48), dbSNP rs1301855639, ClinGen allele CA356155189.